The following is an entry in ClinVar:

NM_004100.5(EYA4):c.1563G>A (p.Leu521=)

Genes: EYA4 (EYA transcriptional coactivator and phosphatase 4; plus strand), TARID (TCF21 antisense RNA inducing promoter demethylation; minus strand). Cytogenetic location: 6q23.2.
Variant type: single nucleotide variant.
Coding change: c.1563G>A on transcript NM_004100.5 (MANE Select); coding-DNA position 1563, G replaced by A.
Protein change: p.Leu521=; no amino-acid change (leucine 521 retained).
Molecular consequence: synonymous variant.
Genome position (GRCh38, 1-based): chr6:133,515,382, G>A. VCF-style: chr6-133515382-G-A. GRCh37 (hg19) VCF-style: chr6-133836520-G-A.
Other names: c.1401G>A, p.Leu467= (NM_001301012.2); c.1581G>A, p.Leu527= (NM_001301013.2); c.1494G>A, p.Leu498= (NM_001370458.1, NM_172103.4); c.1419G>A, p.Leu473= (NM_001370459.1); c.1563G>A, p.Leu521= (NM_172105.4).
Identifiers: ClinVar variation 667112 (VCV000667112.4), dbSNP rs1583528788, ClinGen allele CA452185359.

ClinVar aggregate classification (germline): Likely benign (1 of 4 stars; one submission).

Allele frequency attached by ClinVar (database versions not stated): TOPMed below 0.00001.

Submission:

Laboratory for Molecular Medicine, Mass General Brigham Personalized Medicine
Classification: Likely benign. Last evaluated: 2018-04-12. Review status: criteria provided, single submitter. Criteria: LMM Criteria. Collection method: clinical testing. Allele origin: germline. Observed: 1 variant allele.
Comment: p.Leu521Leu in exon 17 of EYA4: This variant is not expected to have clinical si gnificance because it does not alter an amino acid residue, it is not located wi thin the splice consensus sequence, and splice prediction algorithms do not pred ict a newly created splice site. This variant is absent from large population st udies. ACMG/AMP criteria applied: BP7; BP4.